The following is an entry in ClinVar:

NM_003716.4(CADPS):c.2546A>G (p.Asn849Ser)

Gene: CADPS (calcium dependent secretion activator; minus strand). Cytogenetic location: 3p14.2.
Variant type: single nucleotide variant.
Coding change: c.2546A>G on transcript NM_003716.4 (MANE Select); coding-DNA position 2546, A replaced by G.
Protein change: p.Asn849Ser; replaces asparagine 849 with serine.
Molecular consequence: missense variant.
Genome position (GRCh38, 1-based): chr3:62,516,094, T>C on the plus strand (A>G on the coding strand, the complement: CADPS is on the minus strand). VCF-style: chr3-62516094-T-C. GRCh37 (hg19) VCF-style: chr3-62501769-T-C.
Other names: c.2495A>G, p.Asn832Ser (NM_183393.3); c.2546A>G, p.Asn849Ser (NM_183394.3); short protein forms N832S, N849S.
Identifiers: ClinVar variation 3044609 (VCV003044609.3), dbSNP rs150724919, ClinGen allele CA2476667.

ClinVar aggregate classification (germline): Uncertain significance. Review status: criteria provided, single submitter (1 of 4 stars). 2 submissions from 2 submitters: Uncertain significance (1). 1 of the submissions does not count toward it. Last evaluated 2025-09-26.

Conditions:
CADPS-related disorder. Also called: CADPS-related condition.

Allele frequency attached by ClinVar (database versions not stated): ExAC 0.00069; 1000 Genomes Project 30x 0.00125; gnomAD 0.00255; TOPMed 0.00273; ESP Exome Variant Server 0.00269; 1000 Genomes Project 0.00100.
gnomAD v4.1: 745 of 1,613,320 alleles (0.046%); highest among the groups gnomAD compares: African/African-American, 0.85%; 5 homozygotes.

Submissions (2):

Ambry Genetics
Classification: Uncertain significance. Last evaluated: 2025-09-26. Review status: criteria provided, single submitter. Criteria: Ambry Variant Classification Scheme 2023. Collection method: clinical testing. Allele origin: germline.

PreventionGenetics, part of Exact Sciences
Classification: Benign for CADPS-related condition. Last evaluated: 2019-06-04. Review status: no assertion criteria provided. Collection method: clinical testing. Allele origin: germline. Not counted in ClinVar's aggregate classification.
Comment: This variant is classified as benign based on ACMG/AMP sequence variant interpretation guidelines (Richards et al. 2015 PMID: 25741868, with internal and published modifications).